The following is an entry in ClinVar:

ClinVar aggregate classification (germline): Likely benign (1 of 4 stars; one submission).

Allele frequency attached by ClinVar (database versions not stated): gnomAD exomes 0.00003 and 0.00007; ESP Exome Variant Server 0.00008; gnomAD 0.00008 and 0.00009; ExAC 0.00009; TOPMed 0.00009; 1000 Genomes Project 30x 0.00031; 1000 Genomes Project 0.00040.
gnomAD v4.1: 54 of 1,612,822 alleles (0.0033%); highest among the groups gnomAD compares: African/African-American, 0.025%; 2 homozygotes.

Submission:

GeneDx
Classification: Likely benign. Last evaluated: 2018-01-16. Review status: criteria provided, single submitter. Criteria: GeneDx Variant Classification (06012015). Collection method: clinical testing. Allele origin: germline. Affected: yes.
Comment: This variant is considered likely benign or benign based on one or more of the following criteria: it is a conservative change, it occurs at a poorly conserved position in the protein, it is predicted to be benign by multiple in silico algorithms, and/or has population frequency not consistent with disease.

NM_001080779.2(MYO1C):c.2856C>T (p.Asp952=)

Gene: MYO1C (myosin IC; minus strand). Cytogenetic location: 17p13.3.
Variant type: single nucleotide variant.
Coding change: c.2856C>T on transcript NM_001080779.2 (MANE Select); coding-DNA position 2856, C replaced by T.
Protein change: p.Asp952=; no amino-acid change (aspartic acid 952 retained).
Molecular consequence: synonymous variant.
Genome position (GRCh38, 1-based): chr17:1,468,028, G>A on the plus strand (C>T on the coding strand, the complement: MYO1C is on the minus strand). VCF-style: chr17-1468028-G-A. GRCh37 (hg19) VCF-style: chr17-1371322-G-A.
Other names: c.2799C>T, p.Asp933= (NM_001080950.2); c.2784C>T, p.Asp928= (NM_001363855.1); c.2751C>T, p.Asp917= (NM_033375.5).
Identifiers: ClinVar variation 508632 (VCV000508632.1), dbSNP rs201365950, ClinGen allele CA8266797.